The following is an entry in ClinVar:

ClinVar aggregate classification (germline): Uncertain significance (1 of 4 stars; one submission).

Conditions:
Intellectual developmental disorder, autosomal dominant 6, with or without seizures. Also called: GRIN2B-related developmental delay, intellectual disability and autism spectrum disorder; Intellectual disability, autosomal dominant 6. Identifiers: Orphanet 589547, MedGen C3151411, MONDO:0013509, OMIM 613970.

Submission:

MGZ Medical Genetics Center
Classification: Uncertain significance for Intellectual developmental disorder, autosomal dominant 6, with or without seizures. Last evaluated: 2022-06-28. Review status: criteria provided, single submitter. Criteria: ACMG Guidelines, 2015. Collection method: clinical testing. Allele origin: germline. Affected: yes. Observed: 1 variant allele.
Comment: ACMG criteria applied: PS2_SUP, PM2_SUP, PP2

NM_000834.5(GRIN2B):c.1278T>A (p.Ser426Arg)

Gene: GRIN2B (glutamate ionotropic receptor NMDA type subunit 2B; minus strand). Cytogenetic location: 12p13.1.
Variant type: single nucleotide variant.
Coding change: c.1278T>A on transcript NM_000834.5 (MANE Select); coding-DNA position 1278, T replaced by A.
Protein change: p.Ser426Arg; replaces serine 426 with arginine.
Molecular consequence: missense variant.
Genome position (GRCh38, 1-based): chr12:13,616,505, A>T on the plus strand (T>A on the coding strand, the complement: GRIN2B is on the minus strand). VCF-style: chr12-13616505-A-T. GRCh37 (hg19) VCF-style: chr12-13769439-A-T.
Other names: short protein forms S426R.
Identifiers: ClinVar variation 1709567 (VCV001709567.2), dbSNP rs2497602305, ClinGen allele CA384052550.